The following is an entry in ClinVar:

NM_007294.4(BRCA1):c.5279T>G (p.Ile1760Ser)

Gene: BRCA1 (BRCA1 DNA repair associated; minus strand). Cytogenetic location: 17q21.31.
Variant type: single nucleotide variant.
Coding change: c.5279T>G on transcript NM_007294.4 (MANE Select); coding-DNA position 5279, T replaced by G.
Protein change: p.Ile1760Ser; replaces isoleucine 1760 with serine.
Molecular consequence: missense variant. On other transcripts: non-coding transcript variant (1).
Genome position (GRCh38, 1-based): chr17:43,051,116, A>C on the plus strand (T>G on the coding strand, the complement: BRCA1 is on the minus strand). VCF-style: chr17-43051116-A-C. GRCh37 (hg19) VCF-style: chr17-41203133-A-C.
Other names: c.1640T>G, p.Ile547Ser (NM_001408507.1); c.1631T>G, p.Ile544Ser (NM_001408508.1); c.1628T>G, p.Ile543Ser (NM_001408509.1); c.1589T>G, p.Ile530Ser (NM_001408510.1); c.1586T>G, p.Ile529Ser (NM_001408511.1); c.1466T>G, p.Ile489Ser (NM_001408512.1); c.1439T>G, p.Ile480Ser (NM_001408513.1); c.1043T>G, p.Ile348Ser (NM_001408514.1); and 72 more; short protein forms I1713S, I1781S, I656S, I1760S, I1649S, I1670S, I1688S, I1689S.
Identifiers: ClinVar variation 865263 (VCV000865263.3), dbSNP rs2051214306, ClinGen allele CA10590986.

Conditions:
Breast-ovarian cancer, familial, susceptibility to, 1 (BROVCA1). Also called: BRCA1 Hereditary Breast and Ovarian Cancer; OVARIAN CANCER, SUSCEPTIBILITY TO. Identifiers: Orphanet 145, MedGen C2676676, MONDO:0011450, OMIM 604370. Disease mechanism: loss of function.

Submission:

Brotman Baty Institute, University of Washington
No classification provided (evidence only). Condition: Breast-ovarian cancer, familial 1. Review status: no classification provided. Collection method: in vitro. Allele origin: not applicable. Functional consequence: functionally_abnormal.
ClinVar note: "not provided" was previously submitted as the classification for the variant. However, the classification appeared to be based only on an observation of functional data so it was converted to no classification on 2025-07-30.